The following is an entry in ClinVar:

NM_001387430.1(SH2B1):c.2010A>T (p.Ala670=)

Gene: SH2B1 (SH2B adaptor protein 1; plus strand). Cytogenetic location: 16p11.2.
Variant type: single nucleotide variant.
Coding change: c.2010A>T on transcript NM_001387430.1 (MANE Select); coding-DNA position 2010, A replaced by T.
Protein change: p.Ala670=; no amino-acid change (alanine 670 retained).
Molecular consequence: synonymous variant. On other transcripts: 3 prime UTR variant (5).
Genome position (GRCh38, 1-based): chr16:28,873,559, A>T. VCF-style: chr16-28873559-A-T. GRCh37 (hg19) VCF-style: chr16-28884880-A-T.
Other names: c.2010A>T, p.Ala670= (NM_001145795.2, NM_001308293.2, NM_001387404.1); c.*94A>T (NM_001145796.2, NM_001145812.2, NM_001308294.2 and 1 more transcripts); c.*111A>T (NM_001145797.2).
Identifiers: ClinVar variation 4997957 (VCV004997957.1).

ClinVar aggregate classification (germline): Likely benign (1 of 4 stars; one submission).

Conditions:
SH2B1-related disorder. Also called: SH2B1-related condition.

Submission:

PreventionGenetics, part of Exact Sciences
Classification: Likely benign for SH2B1-related condition. Last evaluated: 2024-11-09. Review status: criteria provided, single submitter. Criteria: ACMG Guidelines, 2015. Collection method: clinical testing. Allele origin: germline.
Comment: This variant is classified as likely benign based on ACMG/AMP sequence variant interpretation guidelines (Richards et al. 2015 PMID: 25741868, with internal and published modifications).